The following is an entry in ClinVar:

NM_032383.5(HPS3):c.398C>T (p.Ser133Leu)

Gene: HPS3 (HPS3 biogenesis of lysosomal organelles complex 2 subunit 1; plus strand). Cytogenetic location: 3q24.
Variant type: single nucleotide variant.
Coding change: c.398C>T on transcript NM_032383.5 (MANE Select); coding-DNA position 398, C replaced by T.
Protein change: p.Ser133Leu; replaces serine 133 with leucine.
Molecular consequence: missense variant. On other transcripts: intron variant (1).
Genome position (GRCh38, 1-based): chr3:149,140,184, C>T. VCF-style: chr3-149140184-C-T. GRCh37 (hg19) VCF-style: chr3-148857971-C-T.
Other names: p.Ser133Leu; c.218-833C>T (NM_001308258.2); short protein forms S133L.
Identifiers: ClinVar variation 902242 (VCV000902242.7), dbSNP rs140810728, ClinGen allele CA2659791.
Genomic context (GRCh38, chr3:149,140,184, plus strand): 5'-TGGAGGGACCATTCAGCAAAGCCTTCAGAGACCAGATGTACATTATTGAAATGCCGCTTT[C>T]GGAGGCCCCCTTGTGCATTTCCTGTTGCCCTGTGAAAGGAGACCTTCTCGTTGGCTGCAC-3'
Protein context (NP_115759.2, residues 123-143): DQMYIIEMPL[Ser133Leu]EAPLCISCCP

ClinVar aggregate classification (germline): Uncertain significance. Review status: criteria provided, multiple submitters, no conflicts (2 of 4 stars). 3 submissions from 3 submitters: Uncertain significance (3). Last evaluated 2025-09-04.

Conditions:
Hermansky-Pudlak syndrome 3 (HPS3). Identifiers: Orphanet 231512, Orphanet 79430, MedGen C3888001, MONDO:0013555, OMIM 614072.

Allele frequency attached by ClinVar (database versions not stated): ESP Exome Variant Server 0.00008; gnomAD 0.00009 and 0.00015; ExAC 0.00014; gnomAD exomes 0.00015; TOPMed 0.00020; 1000 Genomes Project 30x 0.00094; 1000 Genomes Project 0.00100.
gnomAD v4.1: 258 of 1,614,098 alleles (0.016%); highest among the groups gnomAD compares: East Asian, 0.37%; 2 homozygotes.

Submissions (3):

Mayo Clinic Laboratories, Mayo Clinic
Classification: Uncertain significance. Last evaluated: 2025-09-04. Review status: criteria provided, single submitter. Criteria: ACMG Guidelines, 2015. Collection method: clinical testing. Allele origin: germline. Observed: 3 variant alleles.
Comment: BP4_moderate

Labcorp Genetics (formerly Invitae), Labcorp
Classification: Uncertain significance. Last evaluated: 2022-10-01. Review status: criteria provided, single submitter. Criteria: Invitae Variant Classification Sherloc (09022015). Collection method: clinical testing. Allele origin: germline.
Comment: This sequence change replaces serine, which is neutral and polar, with leucine, which is neutral and non-polar, at codon 133 of the HPS3 protein (p.Ser133Leu). This variant is present in population databases (rs140810728, gnomAD 0.1%). This variant has not been reported in the literature in individuals affected with HPS3-related conditions. ClinVar contains an entry for this variant (Variation ID: 902242). Advanced modeling of protein sequence and biophysical properties (such as structural, functional, and spatial information, amino acid conservation, physicochemical variation, residue mobility, and thermodynamic stability) performed at Invitae indicates that this missense variant is expected to disrupt HPS3 protein function. In summary, the available evidence is currently insufficient to determine the role of this variant in disease. Therefore, it has been classified as a Variant of Uncertain Significance.

Illumina Laboratory Services, Illumina
Classification: Uncertain significance for Hermansky-Pudlak syndrome 3. Last evaluated: 2018-01-13. Review status: criteria provided, single submitter. Criteria: ICSL Variant Classification Criteria 13 December 2019. Collection method: clinical testing. Allele origin: germline.

Literature cited by the submitters: PubMed 38876249 (cited by Mayo Clinic Laboratories, Mayo Clinic).